The following is an entry in ClinVar:

ClinVar aggregate classification (germline): not provided (0 of 4 stars; one submission).

Allele frequency attached by ClinVar (database versions not stated): gnomAD 0.00272 and 0.00257; 1000 Genomes Project 0.00379; TOPMed 0.00329; 1000 Genomes Project 30x 0.00406.
gnomAD v4.1: 388 of 151,508 alleles (0.26%); highest among the groups gnomAD compares: African/African-American, 0.79%; 1 homozygote.

Submission:

Human Evolutionary Genetics, Institut Pasteur
No classification provided. Review status: no classification provided. Collection method: not provided. Allele origin: germline.
ClinVar note: Converted during submission from untested to not provided.

NM_001433705.1(NLRP5):c.469+403G>C

Gene: NLRP5 (NLR family pyrin domain containing 5; plus strand). Cytogenetic location: 19q13.43.
Variant type: single nucleotide variant.
Coding change: c.469+403G>C on transcript NM_001433705.1 (MANE Select); 403 bases into the intron after coding-DNA position 469, G replaced by C.
Molecular consequence: intron variant.
Genome position (GRCh38, 1-based): chr19:56,019,801, G>C. VCF-style: chr19-56019801-G-C. GRCh37 (hg19) VCF-style: chr19-56531167-G-C.
Other names: NM_153447.4:c.622+403G>C.
Identifiers: ClinVar variation 103299 (VCV000103299.2), dbSNP rs199475769, ClinGen allele CA230384.